The following is an entry in ClinVar:

NM_001128840.3(CACNA1D):c.4686C>T (p.Thr1562=)

Gene: CACNA1D (calcium voltage-gated channel subunit alpha1 D; plus strand). Cytogenetic location: 3p21.1.
Variant type: single nucleotide variant.
Coding change: c.4686C>T on transcript NM_001128840.3 (MANE Select); coding-DNA position 4686, C replaced by T.
Protein change: p.Thr1562=; no amino-acid change (threonine 1562 retained).
Molecular consequence: synonymous variant.
Genome position (GRCh38, 1-based): chr3:53,780,124, C>T. VCF-style: chr3-53780124-C-T. GRCh37 (hg19) VCF-style: chr3-53814151-C-T.
Other names: p.Thr1582=; c.4746C>T, p.Thr1582= (NM_000720.4); c.4641C>T, p.Thr1547= (NM_001128839.3).
Identifiers: ClinVar variation 504769 (VCV000504769.20), dbSNP rs74534595, ClinGen allele CA2454945.

ClinVar aggregate classification (germline): Benign. Review status: criteria provided, multiple submitters, no conflicts (2 of 4 stars). 6 submissions from 6 submitters: Benign (6). Last evaluated 2026-02-03.

Allele frequency attached by ClinVar (database versions not stated): gnomAD exomes 0.00083 and 0.00242; ExAC 0.00278; gnomAD 0.00863 and 0.00921; ESP Exome Variant Server 0.00907; 1000 Genomes Project 0.00938; 1000 Genomes Project 30x 0.00984; TOPMed 0.00988.
gnomAD v4.1: 2,569 of 1,609,178 alleles (0.16%); highest among the groups gnomAD compares: African/African-American, 2.8%; 39 homozygotes.

Submissions (6):

Labcorp Genetics (formerly Invitae), Labcorp
Classification: Benign. Last evaluated: 2026-02-03. Review status: criteria provided, single submitter. Criteria: Invitae Variant Classification Sherloc (09022015). Collection method: clinical testing. Allele origin: germline.

Mayo Clinic Laboratories, Mayo Clinic
Classification: Benign. Last evaluated: 2025-03-20. Review status: criteria provided, single submitter. Criteria: ACMG Guidelines, 2015. Collection method: clinical testing. Allele origin: germline. Observed: 8 variant alleles.
Comment: BA1, BS2, BP4, BP7

GeneDx
Classification: Benign. Last evaluated: 2019-05-23. Review status: criteria provided, single submitter. Criteria: GeneDx Variant Classification Process June 2021. Collection method: clinical testing. Allele origin: germline. Affected: yes.

Genetic Services Laboratory, University of Chicago
Classification: Benign. Last evaluated: 2019-05-08. Review status: criteria provided, single submitter. Criteria: ACMG Guidelines, 2015. Collection method: clinical testing. Allele origin: germline. Affected: no.

Laboratory for Molecular Medicine, Mass General Brigham Personalized Medicine
Classification: Benign. Last evaluated: 2014-11-24. Review status: criteria provided, single submitter. Criteria: LMM Criteria. Collection method: clinical testing. Allele origin: germline. Observed: 8 variant alleles.
Comment: Thr1582Thr in exon 39 of CACNA1D: This variant is not expected to have clinical significance because it does not alter an amino acid residue and is not located within the splice consensus sequence. It has been identified in 2.7% (118/4406) of African American chromosomes from a broad population by the NHLBI Exome Seque ncing Project (dbSNP rs74534595).

Breakthrough Genomics
Classification: Benign. Review status: criteria provided, single submitter. Criteria: ACMG Guidelines, 2015. Collection method: not provided. Allele origin: germline. Inheritance: Autosomal recessive inheritance. Affected: yes.